The following is an entry in ClinVar:

ClinVar aggregate classification (germline): Uncertain significance (1 of 4 stars; one submission).

Conditions:
3-methylglutaconic aciduria with deafness, encephalopathy, and Leigh-like syndrome (MEGDEL). Also called: 3-METHYLGLUTACONIC ACIDURIA, TYPE VI; SERAC1 Deficiency; MEGDEL syndrome. Identifiers: Orphanet 352328, MedGen C4040739, MONDO:0013875, OMIM 614739.

Allele frequency attached by ClinVar (database versions not stated): gnomAD exomes below 0.00001; TOPMed below 0.00001; ExAC 0.00001; gnomAD 0.00001; ESP Exome Variant Server 0.00008.
gnomAD v4.1: 4 of 1,611,772 alleles (0.00025%); highest among the groups gnomAD compares: Non-Finnish European, 0.00034%; no homozygotes.

Submission:

Labcorp Genetics (formerly Invitae), Labcorp
Classification: Uncertain significance for 3-methylglutaconic aciduria with deafness, encephalopathy, and Leigh-like syndrome. Last evaluated: 2022-02-24. Review status: criteria provided, single submitter. Criteria: Invitae Variant Classification Sherloc (09022015). Collection method: clinical testing. Allele origin: germline.
Comment: In summary, the available evidence is currently insufficient to determine the role of this variant in disease. Therefore, it has been classified as a Variant of Uncertain Significance. Variants that disrupt the consensus splice site are a relatively common cause of aberrant splicing (PMID: 17576681, 9536098). Algorithms developed to predict the effect of sequence changes on RNA splicing suggest that this variant is not likely to affect RNA splicing. This variant has not been reported in the literature in individuals affected with SERAC1-related conditions. This variant is present in population databases (rs367733861, gnomAD 0.0009%). This sequence change falls in intron 15 of the SERAC1 gene. It does not directly change the encoded amino acid sequence of the SERAC1 protein. It affects a nucleotide within the consensus splice site.

Literature cited by the submitters: PubMed 17576681; PubMed 9536098.

NM_032861.4(SERAC1):c.1685-3C>T

Gene: SERAC1 (serine active site containing 1; minus strand). Cytogenetic location: 6q25.3.
Variant type: single nucleotide variant.
Coding change: c.1685-3C>T on transcript NM_032861.4 (MANE Select); 3 bases into the intron before coding-DNA position 1685, C replaced by T.
Molecular consequence: intron variant.
Genome position (GRCh38, 1-based): chr6:158,113,595, G>A on the plus strand (C>T on the coding strand, the complement: SERAC1 is on the minus strand). VCF-style: chr6-158113595-G-A. GRCh37 (hg19) VCF-style: chr6-158534627-G-A.
Identifiers: ClinVar variation 1387672 (VCV001387672.6), dbSNP rs367733861, ClinGen allele CA4070954.